The following is an entry in ClinVar:

ClinVar aggregate classification (germline): Uncertain significance (1 of 4 stars; one submission).

Conditions:
Emery-Dreifuss muscular dystrophy (EDMD). Also called: Scapuloperoneal syndrome, X-linked (formerly); Humeroperoneal neuromuscular disease, (formerly). Identifiers: Orphanet 261, MedGen C0410189, MONDO:0016830.

Allele frequency attached by ClinVar (database versions not stated): ExAC 0.00001; gnomAD 0.00002; gnomAD exomes 0.00002; TOPMed 0.00002.
gnomAD v4.1: 16 of 1,613,728 alleles (0.00099%); highest among the groups gnomAD compares: East Asian, 0.011%; no homozygotes.

Submission:

Labcorp Genetics (formerly Invitae), Labcorp
Classification: Uncertain significance for Emery-Dreifuss muscular dystrophy. Last evaluated: 2019-09-29. Review status: criteria provided, single submitter. Criteria: Invitae Variant Classification Sherloc (09022015). Collection method: clinical testing. Allele origin: germline.
Comment: This sequence change affects codon 432 of the SUN1 mRNA. It is a 'silent' change, meaning that it does not change the encoded amino acid sequence of the SUN1 protein. In summary, the available evidence is currently insufficient to determine the role of this variant in disease. Therefore, it has been classified as a Variant of Uncertain Significance. Algorithms developed to predict the effect of sequence changes on RNA splicing suggest that this variant may create or strengthen a splice site, but this prediction has not been confirmed by published transcriptional studies. This variant has not been reported in the literature in individuals with SUN1-related conditions. This variant is present in population databases (rs761026434, ExAC 0.002%).

NM_001130965.3(SUN1):c.1296A>G (p.Glu432=)

Gene: SUN1 (Sad1 and UNC84 domain containing 1; plus strand). Cytogenetic location: 7p22.3.
Variant type: single nucleotide variant.
Coding change: c.1296A>G on transcript NM_001130965.3 (MANE Select); coding-DNA position 1296, A replaced by G.
Protein change: p.Glu432=; no amino-acid change (glutamic acid 432 retained).
Molecular consequence: synonymous variant. On other transcripts: non-coding transcript variant (3).
Genome position (GRCh38, 1-based): chr7:854,952, A>G. VCF-style: chr7-854952-A-G. GRCh37 (hg19) VCF-style: chr7-894589-A-G.
Other names: c.1689A>G, p.Glu563= (NM_001367703.1, NM_001367705.1); c.1308A>G, p.Glu436= (NM_001367704.1, NM_001367702.1); c.1428A>G, p.Glu476= (NM_001367706.1, NM_001367673.1); c.729A>G, p.Glu243= (NM_001367708.1); c.1047A>G, p.Glu349= (NM_025154.6); c.987A>G, p.Glu329= (NM_001171944.2); c.1296A>G, p.Glu432= (NM_001367633.1, NM_001367634.1, NM_001367653.1); c.945A>G, p.Glu315= (NM_001367635.1); and 43 more.
Identifiers: ClinVar variation 962900 (VCV000962900.9), dbSNP rs761026434, ClinGen allele CA4112152.